The following is an entry in ClinVar:

NM_002470.4(MYH3):c.2657A>C (p.Asn886Thr)

Gene: MYH3 (myosin heavy chain 3; minus strand). Cytogenetic location: 17p13.1.
Variant type: single nucleotide variant.
Coding change: c.2657A>C on transcript NM_002470.4 (MANE Select); coding-DNA position 2657, A replaced by C.
Protein change: p.Asn886Thr; replaces asparagine 886 with threonine.
Molecular consequence: missense variant.
Genome position (GRCh38, 1-based): chr17:10,640,021, T>G on the plus strand (A>C on the coding strand, the complement: MYH3 is on the minus strand). VCF-style: chr17-10640021-T-G. GRCh37 (hg19) VCF-style: chr17-10543338-T-G.
Other names: short protein forms N886T.
Identifiers: ClinVar variation 4800677 (VCV004800677.1).

ClinVar aggregate classification (germline): Uncertain significance (1 of 4 stars; one submission).

Submission:

Labcorp Genetics (formerly Invitae), Labcorp
Classification: Uncertain significance. Last evaluated: 2024-02-24. Review status: criteria provided, single submitter. Criteria: Invitae Variant Classification Sherloc (09022015). Collection method: clinical testing. Allele origin: germline.
Comment: This sequence change replaces asparagine, which is neutral and polar, with threonine, which is neutral and polar, at codon 886 of the MYH3 protein (p.Asn886Thr). This variant is not present in population databases (gnomAD no frequency). This variant has not been reported in the literature in individuals affected with MYH3-related conditions. Advanced modeling of protein sequence and biophysical properties (such as structural, functional, and spatial information, amino acid conservation, physicochemical variation, residue mobility, and thermodynamic stability) performed at Invitae indicates that this missense variant is not expected to disrupt MYH3 protein function with a negative predictive value of 95%. In summary, the available evidence is currently insufficient to determine the role of this variant in disease. Therefore, it has been classified as a Variant of Uncertain Significance.